The following is an entry in ClinVar:

NM_014476.6(PDLIM3):c.727G>A (p.Glu243Lys)

Gene: PDLIM3 (PDZ and LIM domain 3; minus strand). Cytogenetic location: 4q35.1.
Variant type: single nucleotide variant.
Coding change: c.727G>A on transcript NM_014476.6 (MANE Select); coding-DNA position 727, G replaced by A.
Protein change: p.Glu243Lys; replaces glutamic acid 243 with lysine.
Molecular consequence: missense variant. On other transcripts: non-coding transcript variant (1).
Genome position (GRCh38, 1-based): chr4:185,506,588, C>T on the plus strand (G>A on the coding strand, the complement: PDLIM3 is on the minus strand). VCF-style: chr4-185506588-C-T. GRCh37 (hg19) VCF-style: chr4-186427742-C-T.
Other names: c.583G>A, p.Glu195Lys (NM_001114107.5); c.463G>A, p.Glu155Lys (NM_001257962.2); c.226G>A, p.Glu76Lys (NM_001257963.2); c.727G>A (NM_014476.4); short protein forms E76K, E195K, E155K, E243K.
Identifiers: ClinVar variation 646798 (VCV000646798.10), dbSNP rs1306620317, ClinGen allele CA358922759.

ClinVar aggregate classification (germline): Uncertain significance. Review status: criteria provided, multiple submitters, no conflicts (2 of 4 stars). 2 submissions from 2 submitters: Uncertain significance (2). Last evaluated 2025-07-12.

Conditions:
Primary dilated cardiomyopathy (DCM). Also called: Dilated Cardiomyopathy. Identifiers: Orphanet 217604, MedGen C0007193, MeSH D002311, MONDO:0005021, HP:0001644. Inheritance: Various modes of inheritance.
Hypertrophic cardiomyopathy. Also called: HYPERTROPHIC MYOCARDIOPATHY. Identifiers: Orphanet 217569, MedGen C0007194, MeSH D002312, MONDO:0005045, HP:0001639.

Allele frequency attached by ClinVar (database versions not stated): gnomAD exomes below 0.00001 and 0.00001; TOPMed below 0.00001; gnomAD 0.00001.
gnomAD v4.1: 6 of 1,612,572 alleles (0.00037%); highest among the groups gnomAD compares: African/African-American, 0.0027%; no homozygotes.

Submissions (2):

Ambry Genetics
Classification: Uncertain significance. Last evaluated: 2025-07-12. Review status: criteria provided, single submitter. Criteria: Ambry Variant Classification Scheme 2023. Collection method: clinical testing. Allele origin: germline.
Comment: The p.E243K variant (also known as c.727G>A), located in coding exon 6 of the PDLIM3 gene, results from a G to A substitution at nucleotide position 727. The glutamic acid at codon 243 is replaced by lysine, an amino acid with similar properties. This amino acid position is conserved. In addition, this alteration is predicted to be tolerated by in silico analysis. Based on the available evidence, the clinical significance of this variant remains unclear.

Labcorp Genetics (formerly Invitae), Labcorp
Classification: Uncertain significance for Hypertrophic cardiomyopathy; Primary dilated cardiomyopathy. Last evaluated: 2023-03-07. Review status: criteria provided, single submitter. Criteria: Invitae Variant Classification Sherloc (09022015). Collection method: clinical testing. Allele origin: germline.
Comment: Advanced modeling of protein sequence and biophysical properties (such as structural, functional, and spatial information, amino acid conservation, physicochemical variation, residue mobility, and thermodynamic stability) performed at Invitae indicates that this missense variant is not expected to disrupt PDLIM3 protein function. In summary, the available evidence is currently insufficient to determine the role of this variant in disease. Therefore, it has been classified as a Variant of Uncertain Significance. ClinVar contains an entry for this variant (Variation ID: 646798). This variant has not been reported in the literature in individuals affected with PDLIM3-related conditions. This variant is present in population databases (no rsID available, gnomAD 0.0009%). This sequence change replaces glutamic acid, which is acidic and polar, with lysine, which is basic and polar, at codon 243 of the PDLIM3 protein (p.Glu243Lys).